The following is an entry in ClinVar:

NM_024740.2(ALG9):c.1489A>G (p.Ile497Val)

Gene: ALG9 (ALG9 alpha-1,2-mannosyltransferase; minus strand). Cytogenetic location: 11q23.1.
Variant type: single nucleotide variant.
Coding change: c.1489A>G on transcript NM_024740.2 (MANE Select); coding-DNA position 1489, A replaced by G.
Protein change: p.Ile497Val; replaces isoleucine 497 with valine.
Molecular consequence: missense variant. On other transcripts: non-coding transcript variant (1).
Genome position (GRCh38, 1-based): chr11:111,836,278, T>C on the plus strand (A>G on the coding strand, the complement: ALG9 is on the minus strand). VCF-style: chr11-111836278-T-C. GRCh37 (hg19) VCF-style: chr11-111707001-T-C.
Other names: p.Ile497Val; c.1468A>G, p.Ile490Val (NM_001077690.1, NM_001352417.1); c.976A>G, p.Ile326Val (NM_001077691.2, NM_001352413.1, NM_001352414.2 and 1 more transcripts); c.955A>G, p.Ile319Val (NM_001077692.2, NM_001352409.1, NM_001352410.1 and 6 more transcripts); c.1345A>G, p.Ile449Val (NM_001352418.1); c.880A>G, p.Ile294Val (NM_001352422.2); c.832A>G, p.Ile278Val (NM_001352423.2); short protein forms I278V, I294V, I326V, I449V, I490V, I319V, I497V.
Identifiers: ClinVar variation 1366237 (VCV001366237.5), dbSNP rs138584071, ClinGen allele CA6274403.

ClinVar aggregate classification (germline): Conflicting classifications of pathogenicity. Review status: criteria provided, conflicting classifications (1 of 4 stars). 3 submissions from 3 submitters: Uncertain significance (2); Likely benign (1). Last evaluated 2025-12-06.

Conditions:
Gillessen-Kaesbach-Nishimura syndrome (GIKANIS). Identifiers: MedGen C1849762, MONDO:0009890, OMIM 263210.
ALG9 congenital disorder of glycosylation (CDG1L). Also called: CDG Il; ALG9-CDG; CONGENITAL DISORDER OF GLYCOSYLATION, TYPE Il. Identifiers: Orphanet 79328, MedGen C2931006, MONDO:0012117, OMIM 608776.

Allele frequency attached by ClinVar (database versions not stated): ExAC 0.00012; 1000 Genomes Project 30x 0.00016; gnomAD exomes 0.00016 and 0.00020; ESP Exome Variant Server 0.00017; 1000 Genomes Project 0.00020; TOPMed 0.00024; gnomAD 0.00025.
gnomAD v4.1: 281 of 1,614,080 alleles (0.017%); highest among the groups gnomAD compares: Admixed American, 0.033%; 1 homozygote.

Submissions (3):

Mayo Clinic Laboratories, Mayo Clinic
Classification: Uncertain significance. Last evaluated: 2025-12-06. Review status: criteria provided, single submitter. Criteria: ACMG Guidelines, 2015. Collection method: clinical testing. Allele origin: germline. Observed: 1 variant allele.

Fulgent Genetics
Classification: Likely benign for Gillessen-Kaesbach-Nishimura syndrome; ALG9 congenital disorder of glycosylation. Last evaluated: 2024-02-10. Review status: criteria provided, single submitter. Criteria: ACMG Guidelines, 2015. Collection method: clinical testing. Allele origin: germline.

Labcorp Genetics (formerly Invitae), Labcorp
Classification: Uncertain significance for ALG9 congenital disorder of glycosylation. Last evaluated: 2022-08-22. Review status: criteria provided, single submitter. Criteria: Invitae Variant Classification Sherloc (09022015). Collection method: clinical testing. Allele origin: germline.
Comment: This sequence change replaces isoleucine, which is neutral and non-polar, with valine, which is neutral and non-polar, at codon 497 of the ALG9 protein (p.Ile497Val). This variant is present in population databases (rs138584071, gnomAD 0.03%). This variant has not been reported in the literature in individuals affected with ALG9-related conditions. ClinVar contains an entry for this variant (Variation ID: 1366237). Experimental studies and prediction algorithms are not available or were not evaluated, and the functional significance of this variant is currently unknown. In summary, the available evidence is currently insufficient to determine the role of this variant in disease. Therefore, it has been classified as a Variant of Uncertain Significance.